The following is an entry in ClinVar:

NM_001018115.3(FANCD2):c.1447A>C (p.Ser483Arg)

Genes: FANCD2 (FA complementation group D2; plus strand), LOC107303338 (3p25 FANCD2 Alu-mediated recombination region; plus strand). Cytogenetic location: 3p25.3.
Variant type: single nucleotide variant.
Coding change: c.1447A>C on transcript NM_001018115.3 (MANE Select); coding-DNA position 1447, A replaced by C.
Protein change: p.Ser483Arg; replaces serine 483 with arginine.
Molecular consequence: missense variant.
Genome position (GRCh38, 1-based): chr3:10,049,407, A>C. VCF-style: chr3-10049407-A-C. GRCh37 (hg19) VCF-style: chr3-10091091-A-C.
Other names: c.1447A>C, p.Ser483Arg (NM_001319984.2, NM_001374253.1, NM_001374254.1 and 1 more transcripts); short protein forms S483R.
Identifiers: ClinVar variation 1036124 (VCV001036124.8), dbSNP rs2087129366, ClinGen allele CA351737449.
Genomic context (GRCh38, chr3:10,049,407, plus strand): 5'-CTGTTCTGTTGACTCTCCCCTGTATAGGAAGTGGTTGGTGCCTTAGTGACCCATATCTGC[A>C]GTGGGAATGAAGCTGAAGTTGATACTGCCTTAGATGTCCTTCTAGAGTTGGTAGTGTTAA-3'
Protein context (NP_001018125.1, residues 473-493): VVGALVTHIC[Ser483Arg]GNEAEVDTAL

ClinVar aggregate classification (germline): Uncertain significance (1 of 4 stars; one submission).

Conditions:
Fanconi anemia (FA). Also called: Fanconi's anemia. Identifiers: Orphanet 84, MedGen C0015625, MeSH D005199, MONDO:0019391.

Submission:

Labcorp Genetics (formerly Invitae), Labcorp
Classification: Uncertain significance for Fanconi anemia. Last evaluated: 2020-10-07. Review status: criteria provided, single submitter. Criteria: Invitae Variant Classification Sherloc (09022015). Collection method: clinical testing. Allele origin: germline.
Comment: In summary, the available evidence is currently insufficient to determine the role of this variant in disease. Therefore, it has been classified as a Variant of Uncertain Significance. Algorithms developed to predict the effect of missense changes on protein structure and function are either unavailable or do not agree on the potential impact of this missense change (SIFT: "Tolerated"; PolyPhen-2: "Probably Damaging"; Align-GVGD: "Class C0"). This variant has not been reported in the literature in individuals with FANCD2-related conditions. This variant is not present in population databases (ExAC no frequency). This sequence change replaces serine with arginine at codon 483 of the FANCD2 protein (p.Ser483Arg). The serine residue is moderately conserved and there is a moderate physicochemical difference between serine and arginine.